The following is an entry in ClinVar:

NM_001114753.3(ENG):c.1533G>A (p.Ala511=)

Genes: ENG (endoglin; minus strand), LOC102723566 (uncharacterized LOC102723566; plus strand). Cytogenetic location: 9q34.11.
Variant type: single nucleotide variant.
Coding change: c.1533G>A on transcript NM_001114753.3 (MANE Select); coding-DNA position 1533, G replaced by A.
Protein change: p.Ala511=; no amino-acid change (alanine 511 retained).
Molecular consequence: synonymous variant.
Genome position (GRCh38, 1-based): chr9:127,818,273, C>T on the plus strand (G>A on the coding strand, the complement: ENG is on the minus strand). VCF-style: chr9-127818273-C-T. GRCh37 (hg19) VCF-style: chr9-130580552-C-T.
Other names: c.1533G>A, p.Ala511= (NM_000118.4); c.987G>A, p.Ala329= (NM_001278138.2).
Identifiers: ClinVar variation 237020 (VCV000237020.26), dbSNP rs140760635, ClinGen allele CA5252735.
Genomic context (GRCh38, chr9:127,818,273, plus strand): 5'-GCTGAAGCGCGGGTCACCCTCGGGGCTTGGGGACAGCAGGCTCACACAGTTGCCCTTGGC[C>T]GCCCGGCCCTGGATGAGTTCCACGGTGCCTCCCTCAGGCCCCAAGTCCAGGTGGCAGCTG-3'
Protein context (NP_001108225.1, residues 501-521): GGTVELIQGR[Ala511=]AKGNCVSLLS

ClinVar aggregate classification (germline): Benign/Likely benign. Review status: criteria provided, multiple submitters, no conflicts (2 of 4 stars). 9 submissions from 9 submitters: Benign (2); Likely benign (5). 2 of the submissions do not count toward it. Last evaluated 2026-09-01.

Conditions:
Hereditary hemorrhagic telangiectasia (HHT). Also called: Osler hemorrhagic telangiectasia syndrome; ORW DISEASE; Osler Weber Rendu syndrome; OSLER-RENDU-WEBER DISEASE. Identifiers: Orphanet 774, MedGen C0039445, MONDO:0019180. Disease mechanism: loss of function.
Cardiovascular phenotype. Identifiers: MedGen CN230736.
Telangiectasia, hereditary hemorrhagic, type 1 (HHT1). Also called: Osler Weber Rendu syndrome type 1; ENG-Related Hereditary Hemorrhagic Telangiectasia. Identifiers: Orphanet 774, MedGen C4551861, MONDO:0008535, OMIM 187300. Disease mechanism: loss of function.

Allele frequency attached by ClinVar (database versions not stated): gnomAD exomes 0.00003 and 0.00015; ESP Exome Variant Server 0.00008; ExAC 0.00017; gnomAD 0.00022 and 0.00027; TOPMed 0.00024.
gnomAD v4.1: 239 of 1,614,158 alleles (0.015%); highest among the groups gnomAD compares: East Asian, 0.071%; 8 homozygotes.

Submissions (9):

CeGaT Center for Human Genetics Tuebingen
Classification: Likely benign. Last evaluated: 2026-09-01. Review status: criteria provided, single submitter. Criteria: CeGaT Center For Human Genetics Tuebingen Variant Classification Criteria Version 2. Collection method: clinical testing. Allele origin: germline. Affected: yes. Observed: 1 variant allele.
Comment: ENG: BP4, BP7, BS1

Labcorp Genetics (formerly Invitae), Labcorp
Classification: Benign for Hereditary hemorrhagic telangiectasia. Last evaluated: 2026-01-20. Review status: criteria provided, single submitter. Criteria: Invitae Variant Classification Sherloc (09022015). Collection method: clinical testing. Allele origin: germline.

ARUP Laboratories, Molecular Genetics and Genomics, ARUP Laboratories
Classification: Benign for Telangiectasia, hereditary hemorrhagic, type 1. Last evaluated: 2025-05-15. Review status: criteria provided, single submitter. Criteria: ARUP Molecular Germline Variant Investigation Process 2024. Collection method: clinical testing. Allele origin: germline.

Blueprint Genetics
Classification: Likely benign. Last evaluated: 2024-11-27. Review status: criteria provided, single submitter. Criteria: ACMG Guidelines, 2015. Collection method: clinical testing. Allele origin: germline.

Ambry Genetics
Classification: Likely benign for Cardiovascular phenotype. Last evaluated: 2022-02-14. Review status: criteria provided, single submitter. Criteria: Ambry Variant Classification Scheme 2023. Collection method: clinical testing. Allele origin: germline.

Fulgent Genetics
Classification: Likely benign for Telangiectasia, hereditary hemorrhagic, type 1. Last evaluated: 2021-09-21. Review status: criteria provided, single submitter. Criteria: ACMG Guidelines, 2015. Collection method: clinical testing. Allele origin: unknown.

Illumina Laboratory Services, Illumina
Classification: Likely benign for Telangiectasia, hereditary hemorrhagic, type 1. Last evaluated: 2017-05-17. Review status: criteria provided, single submitter. Criteria: ICSL Variant Classification Criteria 13 December 2019. Collection method: clinical testing. Allele origin: germline.
Comment: This variant was observed as part of a predisposition screen in an ostensibly healthy population. A literature search was performed for the gene, cDNA change, and amino acid change (where applicable). No publications were found based on this search. Allele frequency data from public databases allowed determination this variant is unlikely to cause disease. Therefore, this variant is classified as likely benign.

Clinical Genetics, Academic Medical Center
Classification: Likely benign. Review status: no assertion criteria provided. Collection method: clinical testing. Allele origin: germline. Affected: yes. Study: VKGL Data-share Consensus. Not counted in ClinVar's aggregate classification.

Genome Diagnostics Laboratory, Amsterdam University Medical Center
Classification: Likely benign. Review status: no assertion criteria provided. Collection method: clinical testing. Allele origin: germline. Affected: yes. Study: VKGL Data-share Consensus. Not counted in ClinVar's aggregate classification.